The following is an entry in ClinVar:

NM_003001.5(SDHC):c.490A>G (p.Met164Val)

Gene: SDHC (succinate dehydrogenase complex subunit C; plus strand). Cytogenetic location: 1q23.3.
Variant type: single nucleotide variant.
Coding change: c.490A>G on transcript NM_003001.5 (MANE Select); coding-DNA position 490, A replaced by G.
Protein change: p.Met164Val; replaces methionine 164 with valine.
Molecular consequence: missense variant.
Genome position (GRCh38, 1-based): chr1:161,362,413, A>G. VCF-style: chr1-161362413-A-G. GRCh37 (hg19) VCF-style: chr1-161332203-A-G.
Other names: c.326A>G, p.Tyr109Cys (NM_001035511.3); c.388A>G, p.Met130Val (NM_001035512.3); c.331A>G, p.Met111Val (NM_001035513.3); c.224A>G, p.Tyr75Cys (NM_001278172.3); c.610A>G, p.Met204Val (NM_001407115.1); c.433A>G, p.Met145Val (NM_001407116.1); c.427A>G, p.Met143Val (NM_001407117.1); c.382A>G, p.Met128Val (NM_001407118.1); and 2 more; short protein forms M164V, M130V, Y109C, M111V, Y75C, M127V, M143V, Y90C.
Identifiers: ClinVar variation 570201 (VCV000570201.15), dbSNP rs200375156, ClinGen allele CA047566.

ClinVar aggregate classification (germline): Conflicting classifications of pathogenicity. Review status: criteria provided, conflicting classifications (1 of 4 stars). 3 submissions from 3 submitters: Uncertain significance (1); Likely benign (2). Last evaluated 2025-12-06.

Conditions:
Hereditary cancer-predisposing syndrome. Also called: Hereditary neoplastic syndrome; Neoplastic Syndromes, Hereditary; Hereditary Cancer Syndrome; Tumor predisposition. Identifiers: Orphanet 140162, MedGen C0027672, MeSH D009386, MONDO:0015356.
Hereditary pheochromocytoma and paraganglioma. Also called: Hereditary pheochromocytoma-paraganglioma; Hereditary Paraganglioma-Pheochromocytoma Syndromes; Hereditary paragangliomas and pheochromocytomas. Identifiers: Orphanet 29072, MedGen C4274332, MONDO:0017366.
Pheochromocytoma/paraganglioma syndrome 3. Also called: GLOMUS TUMORS, FAMILIAL, 3; SDHC-Related Hereditary Paraganglioma-Pheochromocytoma Syndrome; Paragangliomas 3; SDHC-Related Hereditary Paraganglioma-Pheochromocytoma Syndrome (Paragangliomas 3). Identifiers: Orphanet 29072, MedGen C1854336, MONDO:0011544, OMIM 605373.
Gastrointestinal stromal tumor. Also called: Gastrointestinal stromal tumor, somatic; Gastrointestinal stroma tumor. Identifiers: Orphanet 44890, MedGen C0238198, MeSH D046152, MONDO:0011719, OMIM 606764, HP:0100723.

Allele frequency attached by ClinVar (database versions not stated): TOPMed 0.00001.

Submissions (3):

Labcorp Genetics (formerly Invitae), Labcorp
Classification: Uncertain significance for Pheochromocytoma/paraganglioma syndrome 3; Gastrointestinal stromal tumor. Last evaluated: 2025-12-06. Review status: criteria provided, single submitter. Criteria: Invitae Variant Classification Sherloc (09022015). Collection method: clinical testing. Allele origin: germline.
Comment: This sequence change replaces methionine, which is neutral and non-polar, with valine, which is neutral and non-polar, at codon 164 of the SDHC protein (p.Met164Val). This variant is present in population databases (rs200375156, gnomAD 0.02%). This variant has not been reported in the literature in individuals affected with SDHC-related conditions. ClinVar contains an entry for this variant (Variation ID: 570201). An algorithm developed to predict the effect of missense changes on protein structure and function outputs the following: PolyPhen-2: "Benign". The valine amino acid residue is found in multiple mammalian species, which suggests that this missense change does not adversely affect protein function. In summary, the available evidence is currently insufficient to determine the role of this variant in disease. Therefore, it has been classified as a Variant of Uncertain Significance.

Color Diagnostics, LLC DBA Color Health
Classification: Likely benign for Hereditary pheochromocytoma and paraganglioma. Last evaluated: 2025-06-25. Review status: criteria provided, single submitter. Criteria: ACMG Guidelines, 2015. Collection method: clinical testing. Allele origin: germline.

Ambry Genetics
Classification: Likely benign for Hereditary cancer-predisposing syndrome. Last evaluated: 2019-01-25. Review status: criteria provided, single submitter. Criteria: Ambry Variant Classification Scheme 2023. Collection method: clinical testing. Allele origin: germline.